The following is an entry in ClinVar:

NM_032638.5(GATA2):c.673A>G (p.Ser225Gly)

Gene: GATA2 (GATA binding protein 2; minus strand). Cytogenetic location: 3q21.3.
Variant type: single nucleotide variant.
Coding change: c.673A>G on transcript NM_032638.5 (MANE Select); coding-DNA position 673, A replaced by G.
Protein change: p.Ser225Gly; replaces serine 225 with glycine.
Molecular consequence: missense variant.
Genome position (GRCh38, 1-based): chr3:128,485,925, T>C on the plus strand (A>G on the coding strand, the complement: GATA2 is on the minus strand). VCF-style: chr3-128485925-T-C. GRCh37 (hg19) VCF-style: chr3-128204768-T-C.
Other names: c.673A>G, p.Ser225Gly (NM_001145661.2, NM_001145662.1); short protein forms S225G.
Identifiers: ClinVar variation 1715257 (VCV001715257.5), dbSNP rs2472930458, ClinGen allele CA354406275.

ClinVar aggregate classification (germline): Uncertain significance (1 of 4 stars; one submission).

Conditions:
Monocytopenia with susceptibility to infections. Also called: MONOCYTOPENIA AND MYCOBACTERIAL INFECTION SYNDROME; MONOCYTOPENIA WITH SUSCEPTIBILITY TO MYCOBACTERIAL, FUNGAL, AND PAPILLOMAVIRUS INFECTIONS AND MYELODYSPLASIA; COMBINED IMMUNODEFICIENCY WITH SUSCEPTIBILITY TO MYCOBACTERIAL, VIRAL, AND FUNGAL INFECTIONS; Dendritic cell, monocyte, B lymphocyte, and natural killer lymphocyte deficiency; IMMUNODEFICIENCY 21; GATA2 DEFICIENCY. Identifiers: Orphanet 228423, MedGen C3280030, MONDO:0013607, OMIM 614172.
Deafness-lymphedema-leukemia syndrome. Also called: Lymphedema, primary, with myelodysplasia; Emberger syndrome. Identifiers: Orphanet 3226, MedGen C3279664, MONDO:0013540, OMIM 614038.

Allele frequency attached by ClinVar (database versions not stated): gnomAD exomes below 0.00001.
gnomAD v4.1: 1 of 1,614,152 alleles (0.000062%); no homozygotes.

Submission:

Labcorp Genetics (formerly Invitae), Labcorp
Classification: Uncertain significance for Monocytopenia with susceptibility to infections; Deafness-lymphedema-leukemia syndrome. Last evaluated: 2022-08-31. Review status: criteria provided, single submitter. Criteria: Invitae Variant Classification Sherloc (09022015). Collection method: clinical testing. Allele origin: germline.
Comment: In summary, the available evidence is currently insufficient to determine the role of this variant in disease. Therefore, it has been classified as a Variant of Uncertain Significance. Advanced modeling of protein sequence and biophysical properties (such as structural, functional, and spatial information, amino acid conservation, physicochemical variation, residue mobility, and thermodynamic stability) performed at Invitae indicates that this missense variant is not expected to disrupt GATA2 protein function. This variant has not been reported in the literature in individuals affected with GATA2-related conditions. This variant is not present in population databases (gnomAD no frequency). This sequence change replaces serine, which is neutral and polar, with glycine, which is neutral and non-polar, at codon 225 of the GATA2 protein (p.Ser225Gly).